The following is an entry in ClinVar:

ClinVar aggregate classification (germline): Pathogenic (1 of 4 stars; one submission).

Conditions:
Primary ciliary dyskinesia 7. Also called: CILIARY DYSKINESIA, PRIMARY, 7, WITH OR WITHOUT SITUS INVERSUS. Identifiers: Orphanet 244, MedGen C2678473, MONDO:0012748, OMIM 611884.

gnomAD v4.1: 1 of 1,610,844 alleles (0.000062%); no homozygotes.

Submission:

Broad Center for Mendelian Genomics, Broad Institute of MIT and Harvard
Classification: Pathogenic for Primary ciliary dyskinesia 7. Last evaluated: 2025-02-14. Review status: criteria provided, single submitter. Criteria: ACMG Guidelines, 2015. Collection method: curation. Allele origin: germline. Inheritance: Autosomal recessive inheritance.
Comment: The c.7134+1G>A variant in DNAH11 has been reported in 1 individual, in the homozygous state, with primary ciliary dyskinesia (PMID: 31772028), and has been identified in 0.002% (1/62380) of remaining chromosomes by the Genome Aggregation Database (gnomAD; dbSNP ID: rs1784726445). Although this variant has been seen in the general population in a heterozygous state, its frequency is low enough to be consistent with a recessive carrier frequency. This variant is located in the 3' splice region. Computational tools predict a splicing impact, though this information is not predictive enough to determine pathogenicity. Loss of function of the DNAH11 gene is an established disease mechanism in autosomal recessive primary ciliary dyskinesia. In summary, this variant meets criteria to be classified as pathogenic for autosomal recessive primary ciliary dyskinesia. ACMG/AMP Criteria applied: PVS1, PM2_supporting, PM3_supporting (Richards 2015).

NM_001277115.2(DNAH11):c.7134+1G>A

Gene: DNAH11 (dynein axonemal heavy chain 11; plus strand). Cytogenetic location: 7p15.3.
Variant type: single nucleotide variant.
Coding change: c.7134+1G>A on transcript NM_001277115.2 (MANE Select); the canonical splice donor site of the intron after coding-DNA position 7134, G replaced by A.
Molecular consequence: splice donor variant.
Genome position (GRCh38, 1-based): chr7:21,717,926, G>A. VCF-style: chr7-21717926-G-A. GRCh37 (hg19) VCF-style: chr7-21757544-G-A.
Other names: NM_001277115.2:c.7134+1G>A.
Identifiers: ClinVar variation 3776932 (VCV003776932.1).
Genomic context (GRCh38, chr7:21,717,926, plus strand): 5'-GATAAACTGAGAACAAGCTTTAAAACCATCACTTCAATTCCTGAGAGTAGCCTGGTGCAG[G>A]TTTGTCTTCGGTTACGCCATTTAACGTTCTAGTTCTGATGCGGTAGTGTTTGTTGATCAA-3'